The following is an entry in ClinVar:

ClinVar aggregate classification (germline): Likely benign. Review status: criteria provided, multiple submitters, no conflicts (2 of 4 stars). 4 submissions from 4 submitters: Likely benign (3). 1 of the submissions does not count toward it. Last evaluated 2025-12-01.

Conditions:
CLTC-related disorder. Also called: CLTC-related condition.

Allele frequency attached by ClinVar (database versions not stated): TOPMed 0.00005; gnomAD exomes 0.00008 and 0.00012; gnomAD 0.00009; ExAC 0.00012; ESP Exome Variant Server 0.00031.
gnomAD v4.1: 130 of 1,609,184 alleles (0.0081%); highest among the groups gnomAD compares: Non-Finnish European, 0.009%; no homozygotes.

Submissions (5):

Labcorp Genetics (formerly Invitae), Labcorp
Classification: Likely benign. Last evaluated: 2025-12-01. Review status: criteria provided, single submitter. Criteria: Invitae Variant Classification Sherloc (09022015). Collection method: clinical testing. Allele origin: germline.

Blueprint Genetics
Classification: Likely benign. Last evaluated: 2024-11-27. Review status: criteria provided, single submitter. Criteria: ACMG Guidelines, 2015. Collection method: clinical testing. Allele origin: germline.

CeGaT Center for Human Genetics Tuebingen
Classification: Likely benign. Last evaluated: 2022-07-01. Review status: criteria provided, single submitter. Criteria: CeGaT Center For Human Genetics Tuebingen Variant Classification Criteria Version 2. Collection method: clinical testing. Allele origin: germline. Affected: yes. Observed: 1 variant allele.
Comment: CLTC: BP4

PreventionGenetics, part of Exact Sciences
Classification: Likely benign for CLTC-related condition. Last evaluated: 2024-02-28. Review status: no assertion criteria provided. Collection method: clinical testing. Allele origin: germline. Not counted in ClinVar's aggregate classification.
Comment: This variant is classified as likely benign based on ACMG/AMP sequence variant interpretation guidelines (Richards et al. 2015 PMID: 25741868, with internal and published modifications).

Dr. Peter K. Rogan Lab, Western University
No classification provided (evidence only). Condition: Familial cancer of breast. Review status: no classification provided. Collection method: in vitro. Allele origin: not applicable. Functional consequence: retained intron. Not counted in ClinVar's aggregate classification.

NM_004859.4(CLTC):c.4904-8T>G

Gene: CLTC (clathrin heavy chain; plus strand). Cytogenetic location: 17q23.1.
Variant type: single nucleotide variant.
Coding change: c.4904-8T>G on transcript NM_004859.4 (MANE Select); 8 bases into the intron before coding-DNA position 4904, T replaced by G.
Molecular consequence: intron variant.
Genome position (GRCh38, 1-based): chr17:59,693,720, T>G. VCF-style: chr17-59693720-T-G. GRCh37 (hg19) VCF-style: chr17-57771081-T-G.
Other names: c.4916-8T>G (NM_001288653.2, NM_001288653.1).
Identifiers: ClinVar variation 1550111 (VCV001550111.34), dbSNP rs367691240, ClinGen allele CA8681839.